The following is an entry in ClinVar:

NM_001164508.2(NEB):c.24457G>A (p.Val8153Ile)

Genes: RIF1 (replication timing regulatory factor 1; plus strand), NEB (nebulin; minus strand). Cytogenetic location: 2q23.3.
Variant type: single nucleotide variant.
Coding change: c.24457G>A on transcript NM_001164508.2 (MANE Select); coding-DNA position 24457, G replaced by A.
Protein change: p.Val8153Ile; replaces valine 8153 with isoleucine.
Molecular consequence: missense variant.
Genome position (GRCh38, 1-based): chr2:151,496,305, C>T on the plus strand (G>A on the coding strand, the complement: NEB is on the minus strand). VCF-style: chr2-151496305-C-T. GRCh37 (hg19) VCF-style: chr2-152352819-C-T.
Other names: c.24457G>A, p.Val8153Ile (NM_001164507.2); c.24562G>A, p.Val8188Ile (NM_001271208.2); c.18889G>A, p.Val6297Ile (NM_004543.5); c.18889G>A (NM_004543.4); c.24562G>A (NM_001271208.1); short protein forms V8188I, V8153I, V6297I.
Identifiers: ClinVar variation 1513092 (VCV001513092.8), dbSNP rs1482662133, ClinGen allele CA348778282.

ClinVar aggregate classification (germline): Uncertain significance. Review status: criteria provided, multiple submitters, no conflicts (2 of 4 stars). 3 submissions from 3 submitters: Uncertain significance (3). Last evaluated 2025-04-25.

Conditions:
Nemaline myopathy 2 (NEM2). Also called: Nemaline myopathy 2, autosomal recessive. Identifiers: MedGen C1850569, MONDO:0009725, OMIM 256030.
Inborn genetic diseases. Identifiers: MedGen C0950123, MeSH D030342.

Allele frequency attached by ClinVar (database versions not stated): TOPMed 0.00001; gnomAD 0.00003.
gnomAD v4.1: 4 of 1,611,508 alleles (0.00025%); highest among the groups gnomAD compares: Admixed American, 0.0017%; no homozygotes.

Submissions (3):

Ambry Genetics
Classification: Uncertain significance for Inborn genetic diseases. Last evaluated: 2025-04-25. Review status: criteria provided, single submitter. Criteria: Ambry Variant Classification Scheme 2023. Collection method: clinical testing. Allele origin: germline.

Labcorp Genetics (formerly Invitae), Labcorp
Classification: Uncertain significance for Nemaline myopathy 2. Last evaluated: 2021-09-17. Review status: criteria provided, single submitter. Criteria: Invitae Variant Classification Sherloc (09022015). Collection method: clinical testing. Allele origin: germline.
Comment: This sequence change replaces valine with isoleucine at codon 8188 of the NEB protein (p.Val8188Ile). The valine residue is moderately conserved and there is a small physicochemical difference between valine and isoleucine. This variant is not present in population databases (ExAC no frequency). This variant has not been reported in the literature in individuals with NEB-related conditions. Algorithms developed to predict the effect of missense changes on protein structure and function output the following: SIFT: "Deleterious"; PolyPhen-2: "Not Available"; Align-GVGD: "Class C0". The isoleucine amino acid residue is found in multiple mammalian species, suggesting that this missense change does not adversely affect protein function. These predictions have not been confirmed by published functional studies and their clinical significance is uncertain. In summary, the available evidence is currently insufficient to determine the role of this variant in disease. Therefore, it has been classified as a Variant of Uncertain Significance.

Revvity Omics, Revvity
Classification: Uncertain significance. Last evaluated: 2019-03-19. Review status: criteria provided, single submitter. Criteria: ACMG Guidelines, 2015. Collection method: clinical testing. Allele origin: germline.